The following is an entry in ClinVar:

NM_017780.4(CHD7):c.4008C>T (p.Ile1336=)

Gene: CHD7 (chromodomain helicase DNA binding protein 7; plus strand). Cytogenetic location: 8q12.2.
Variant type: single nucleotide variant.
Coding change: c.4008C>T on transcript NM_017780.4 (MANE Select); coding-DNA position 4008, C replaced by T.
Protein change: p.Ile1336=; no amino-acid change (isoleucine 1336 retained).
Molecular consequence: synonymous variant. On other transcripts: intron variant (1).
Genome position (GRCh38, 1-based): chr8:60,836,835, C>T. VCF-style: chr8-60836835-C-T. GRCh37 (hg19) VCF-style: chr8-61749394-C-T.
Other names: c.1717-25394C>T (NM_001316690.1); c.4008C>T (LRG_176t1).
Identifiers: ClinVar variation 507779 (VCV000507779.17), dbSNP rs370471177, ClinGen allele CA4760076.

ClinVar aggregate classification (germline): Conflicting classifications of pathogenicity. Review status: criteria provided, conflicting classifications (1 of 4 stars). 7 submissions from 7 submitters: Uncertain significance (1); Likely benign (4). 2 of the submissions do not count toward it. Last evaluated 2025-06-09.

Conditions:
Hypogonadotropic hypogonadism 5 with or without anosmia (KAL5). Also called: HYPOGONADOTROPIC HYPOGONADISM 5 WITH ANOSMIA; HYPOGONADOTROPHIC HYPOGONADISM 5 WITHOUT ANOSMIA; CHD7-Related GnRH Deficiency (Kallmann Syndrome 5). Identifiers: Orphanet 478, MedGen C3552553, MONDO:0012880, OMIM 612370. Disease mechanism: loss of function.
CHARGE syndrome (CHARGE). Also called: Hittner Hirsch Kreh syndrome; Coloboma, heart anomaly, choanal atresia, retardation, genital and ear anomalies; CHARGE association; Hall-Hittner syndrome; CHARGE ASSOCIATION--COLOBOMA, HEART ANOMALY, CHOANAL ATRESIA, RETARDATION, GENITAL AND EAR ANOMALIES. Identifiers: Orphanet 138, MedGen C0265354, MONDO:0008965.
Inborn genetic diseases. Identifiers: MedGen C0950123, MeSH D030342.

Allele frequency attached by ClinVar (database versions not stated): ExAC 0.00004; gnomAD exomes 0.00005; ESP Exome Variant Server 0.00008; TOPMed 0.00008; gnomAD 0.00011; 1000 Genomes Project 0.00020; 1000 Genomes Project 30x 0.00031.
gnomAD v4.1: 169 of 1,613,718 alleles (0.01%); highest among the groups gnomAD compares: Non-Finnish European, 0.013%; no homozygotes.

Submissions (7):

Ambry Genetics
Classification: Likely benign for Inborn genetic diseases. Last evaluated: 2025-06-09. Review status: criteria provided, single submitter. Criteria: Ambry Variant Classification Scheme 2023. Collection method: clinical testing. Allele origin: germline.

Labcorp Genetics (formerly Invitae), Labcorp
Classification: Likely benign for CHARGE syndrome. Last evaluated: 2025-05-05. Review status: criteria provided, single submitter. Criteria: Invitae Variant Classification Sherloc (09022015). Collection method: clinical testing. Allele origin: germline.

Blueprint Genetics
Classification: Likely benign. Last evaluated: 2023-09-19. Review status: criteria provided, single submitter. Criteria: ACMG Guidelines, 2015. Collection method: clinical testing. Allele origin: germline.

Illumina Laboratory Services, Illumina
Classification: Uncertain significance for Kallmann Syndrome 5. Last evaluated: 2018-01-12. Review status: criteria provided, single submitter. Criteria: ICSL Variant Classification Criteria 13 December 2019. Collection method: clinical testing. Allele origin: germline.

GeneDx
Classification: Likely benign. Last evaluated: 2017-02-23. Review status: criteria provided, single submitter. Criteria: GeneDx Variant Classification (06012015). Collection method: clinical testing. Allele origin: germline. Affected: yes.
Comment: This variant is considered likely benign or benign based on one or more of the following criteria: it is a conservative change, it occurs at a poorly conserved position in the protein, it is predicted to be benign by multiple in silico algorithms, and/or has population frequency not consistent with disease.

Clinical Genetics DNA and cytogenetics Diagnostics Lab, Erasmus MC, Erasmus Medical Center
Classification: Likely benign. Review status: no assertion criteria provided. Collection method: clinical testing. Allele origin: germline. Affected: yes. Study: VKGL Data-share Consensus. Not counted in ClinVar's aggregate classification.

Genome Diagnostics Laboratory, University Medical Center Utrecht
Classification: Likely benign. Review status: no assertion criteria provided. Collection method: clinical testing. Allele origin: germline. Affected: yes. Study: VKGL Data-share Consensus. Not counted in ClinVar's aggregate classification.